The following is an entry in ClinVar:

NM_014780.5(CUL7):c.4024G>C (p.Val1342Leu)

Gene: CUL7 (cullin 7; minus strand). Cytogenetic location: 6p21.1.
Variant type: single nucleotide variant.
Coding change: c.4024G>C on transcript NM_014780.5 (MANE Select); coding-DNA position 4024, G replaced by C.
Protein change: p.Val1342Leu; replaces valine 1342 with leucine.
Molecular consequence: missense variant.
Genome position (GRCh38, 1-based): chr6:43,040,426, C>G on the plus strand (G>C on the coding strand, the complement: CUL7 is on the minus strand). VCF-style: chr6-43040426-C-G. GRCh37 (hg19) VCF-style: chr6-43008164-C-G.
Other names: c.4120G>C, p.Val1374Leu (NM_001168370.2, NM_001374872.1); c.4024G>C, p.Val1342Leu (NM_001374873.1); c.4021G>C, p.Val1341Leu (NM_001374874.1); short protein forms V1341L, V1374L, V1342L.
Identifiers: ClinVar variation 1512294 (VCV001512294.7), dbSNP rs1191035358, ClinGen allele CA364196016.
Genomic context (GRCh38, chr6:43,040,426, plus strand): 5'-CTGCCCCAGCTTCCTCTTCCTTCTCGCTCTTGTGCTCCTTGCCACTGGCCCCAAGGCCCA[C>G]CTGAAGGAGCACAGGGTTCCCAGATGCCATGGCCTCCTCCAGTCTGCTCCACGCCCCTCT-3'
Protein context (NP_055595.2, residues 1332-1352): KLEDTEKKIQ[Val1342Leu]GLGASGKEHK

ClinVar aggregate classification (germline): Uncertain significance (1 of 4 stars; one submission).

Allele frequency attached by ClinVar (database versions not stated): gnomAD exomes below 0.00001.

Submission:

Labcorp Genetics (formerly Invitae), Labcorp
Classification: Uncertain significance. Last evaluated: 2023-12-18. Review status: criteria provided, single submitter. Criteria: Invitae Variant Classification Sherloc (09022015). Collection method: clinical testing. Allele origin: germline.
Comment: This sequence change replaces valine, which is neutral and non-polar, with leucine, which is neutral and non-polar, at codon 1342 of the CUL7 protein (p.Val1342Leu). This variant is present in population databases (no rsID available, gnomAD 0.0009%). This variant has not been reported in the literature in individuals affected with CUL7-related conditions. ClinVar contains an entry for this variant (Variation ID: 1512294). An algorithm developed to predict the effect of missense changes on protein structure and function (PolyPhen-2) suggests that this variant¬†is likely to be tolerated. Algorithms developed to predict the effect of sequence changes on RNA splicing suggest that this variant may disrupt the consensus splice site. In summary, the available evidence is currently insufficient to determine the role of this variant in disease. Therefore, it has been classified as a Variant of Uncertain Significance.